The following is an entry in ClinVar:

NM_015295.3(SMCHD1):c.789C>T (p.His263=)

Gene: SMCHD1 (structural maintenance of chromosomes flexible hinge domain containing 1; plus strand). Cytogenetic location: 18p11.32.
Variant type: single nucleotide variant.
Coding change: c.789C>T on transcript NM_015295.3 (MANE Select); coding-DNA position 789, C replaced by T.
Protein change: p.His263=; no amino-acid change (histidine 263 retained).
Molecular consequence: synonymous variant.
Genome position (GRCh38, 1-based): chr18:2,688,663, C>T. VCF-style: chr18-2688663-C-T. GRCh37 (hg19) VCF-style: chr18-2688661-C-T.
Identifiers: ClinVar variation 284881 (VCV000284881.16), dbSNP rs374899324, ClinGen allele CA8870641.

ClinVar aggregate classification (germline): Conflicting classifications of pathogenicity. Review status: criteria provided, conflicting classifications (1 of 4 stars). 3 submissions from 3 submitters: Uncertain significance (1); Likely benign (1). 1 of the submissions does not count toward it. Last evaluated 2025-10-04.

Conditions:
SMCHD1-related disorder. Also called: SMCHD1-related condition.
Facioscapulohumeral muscular dystrophy 2 (FSHD2). Also called: FACIOSCAPULOHUMERAL MUSCULAR DYSTROPHY 2, DIGENIC; FSHD2, DIGENIC; MUSCULAR DYSTROPHY, FACIOSCAPULOHUMERAL, TYPE 1B. Identifiers: Orphanet 269, MedGen C1834671, MONDO:0008031, OMIM 158901.

Allele frequency attached by ClinVar (database versions not stated): gnomAD exomes 0.00007 and 0.00014; ExAC 0.00027; ESP Exome Variant Server 0.00043; gnomAD 0.00044 and 0.00046; TOPMed 0.00050; 1000 Genomes Project 0.00060; 1000 Genomes Project 30x 0.00109.
gnomAD v4.1: 160 of 1,561,176 alleles (0.01%); highest among the groups gnomAD compares: African/African-American, 0.16%; 1 homozygote.

Submissions (3):

Labcorp Genetics (formerly Invitae), Labcorp
Classification: Likely benign for Facioscapulohumeral muscular dystrophy 2. Last evaluated: 2025-10-04. Review status: criteria provided, single submitter. Criteria: Invitae Variant Classification Sherloc (09022015). Collection method: clinical testing. Allele origin: germline.

Eurofins Ntd Llc (ga)
Classification: Uncertain significance. Last evaluated: 2018-06-01. Review status: criteria provided, single submitter. Criteria: EGL ClinVar v180209 classification definitions. Collection method: clinical testing. Allele origin: germline. Observed: 6 variant alleles, 6 heterozygotes.

PreventionGenetics, part of Exact Sciences
Classification: Likely benign for SMCHD1-related condition. Last evaluated: 2020-01-28. Review status: no assertion criteria provided. Collection method: clinical testing. Allele origin: germline. Not counted in ClinVar's aggregate classification.
Comment: This variant is classified as likely benign based on ACMG/AMP sequence variant interpretation guidelines (Richards et al. 2015 PMID: 25741868, with internal and published modifications).